The following is an entry in ClinVar:

NM_001102416.3(KNG1):c.1904A>G (p.Tyr635Cys)

Gene: KNG1 (kininogen 1; plus strand). Cytogenetic location: 3q27.3.
Variant type: single nucleotide variant.
Coding change: c.1904A>G on transcript NM_001102416.3 (MANE Select); coding-DNA position 1904, A replaced by G.
Protein change: p.Tyr635Cys; replaces tyrosine 635 with cysteine.
Molecular consequence: missense variant. On other transcripts: intron variant (2).
Genome position (GRCh38, 1-based): chr3:186,742,300, A>G. VCF-style: chr3-186742300-A-G. GRCh37 (hg19) VCF-style: chr3-186460089-A-G.
Other names: p.Tyr635Cys; c.1203+701A>G (NM_000893.4); c.1095+701A>G (NM_001166451.2); short protein forms Y635C.
Identifiers: ClinVar variation 4540962 (VCV004540962.1).
Genomic context (GRCh38, chr3:186,742,300, plus strand): 5'-CTGGACGCCCCTGGAAGTCAGTTAGTGAAATTAATCCAACCACACAAATGAAAGAATCTT[A>G]TTATTTCGATCTCACTGATGGCCTTTCTTAATTTAAGTGGCTATGGGTATTTCTTTCATA-3'
Protein context (NP_001095886.1, residues 625-644): INPTTQMKES[Tyr635Cys]YFDLTDGLS

ClinVar aggregate classification (germline): Uncertain significance (1 of 4 stars; one submission).

gnomAD v4.1: 1 of 1,614,154 alleles (0.000062%); highest among the groups gnomAD compares: South Asian, 0.0011%; no homozygotes.

Submission:

Mayo Clinic Laboratories, Mayo Clinic
Classification: Uncertain significance. Last evaluated: 2025-03-25. Review status: criteria provided, single submitter. Criteria: ACMG Guidelines, 2015. Collection method: clinical testing. Allele origin: germline. Observed: 1 variant allele.
Comment: BP4_moderate, PM2_supporting